The following is an entry in ClinVar:

NM_006302.3(MOGS):c.1494G>A (p.Val498=)

Gene: MOGS (mannosyl-oligosaccharide glucosidase; minus strand). Cytogenetic location: 2p13.1.
Variant type: single nucleotide variant.
Coding change: c.1494G>A on transcript NM_006302.3 (MANE Select); coding-DNA position 1494, G replaced by A.
Protein change: p.Val498=; no amino-acid change (valine 498 retained).
Molecular consequence: synonymous variant.
Genome position (GRCh38, 1-based): chr2:74,462,295, C>T on the plus strand (G>A on the coding strand, the complement: MOGS is on the minus strand). VCF-style: chr2-74462295-C-T. GRCh37 (hg19) VCF-style: chr2-74689422-C-T.
Other names: c.1176G>A, p.Val392= (NM_001146158.2).
Identifiers: ClinVar variation 1122154 (VCV001122154.23), dbSNP rs778742728, ClinGen allele CA1724777.

ClinVar aggregate classification (germline): Likely benign. Review status: criteria provided, multiple submitters, no conflicts (2 of 4 stars). 2 submissions from 2 submitters: Likely benign (2). Last evaluated 2025-05-04.

Conditions:
MOGS-congenital disorder of glycosylation. Also called: CDG IIb; MOGS-CDG; GLUCOSIDASE I DEFICIENCY; CDG 2B. Identifiers: Orphanet 79330, MedGen C1853736, MONDO:0011629, OMIM 606056.

Allele frequency attached by ClinVar (database versions not stated): gnomAD exomes 0.00001 and 0.00002; ExAC 0.00002; gnomAD 0.00002 and 0.00003; TOPMed 0.00002.
gnomAD v4.1: 7 of 1,613,738 alleles (0.00043%); highest among the groups gnomAD compares: Middle Eastern, 0.016%; no homozygotes.

Submissions (2):

Labcorp Genetics (formerly Invitae), Labcorp
Classification: Likely benign for MOGS-congenital disorder of glycosylation. Last evaluated: 2025-05-04. Review status: criteria provided, single submitter. Criteria: Invitae Variant Classification Sherloc (09022015). Collection method: clinical testing. Allele origin: germline.

CeGaT Center for Human Genetics Tuebingen
Classification: Likely benign. Last evaluated: 2024-11-01. Review status: criteria provided, single submitter. Criteria: CeGaT Center For Human Genetics Tuebingen Variant Classification Criteria Version 2. Collection method: clinical testing. Allele origin: germline. Affected: yes. Observed: 1 variant allele.
Comment: MOGS: BP4, BP7